The following is an entry in ClinVar:

ClinVar aggregate classification (germline): Pathogenic (1 of 4 stars; one submission).

Allele frequency attached by ClinVar (database versions not stated): ExAC 0.00001; gnomAD exomes 0.00001; TOPMed 0.00001; gnomAD 0.00003.
gnomAD v4.1: 15 of 1,613,768 alleles (0.00093%); highest among the groups gnomAD compares: Non-Finnish European, 0.0013%; no homozygotes.

Submission:

Labcorp Genetics (formerly Invitae), Labcorp
Classification: Pathogenic. Last evaluated: 2022-05-02. Review status: criteria provided, single submitter. Criteria: Invitae Variant Classification Sherloc (09022015). Collection method: clinical testing. Allele origin: germline.
Comment: For these reasons, this variant has been classified as Pathogenic. This variant has not been reported in the literature in individuals affected with AASS-related conditions. This variant is present in population databases (rs760852526, gnomAD 0.003%). This sequence change creates a premature translational stop signal (p.Glu237*) in the AASS gene. It is expected to result in an absent or disrupted protein product. Loss-of-function variants in AASS are known to be pathogenic (PMID: 23570448, 23890588).

Literature cited by the submitters: PubMed 23570448; PubMed 23890588.

NM_005763.4(AASS):c.709G>T (p.Glu237Ter)

Gene: AASS (aminoadipate-semialdehyde synthase; minus strand). Cytogenetic location: 7q31.32.
Variant type: single nucleotide variant.
Coding change: c.709G>T on transcript NM_005763.4 (MANE Select); coding-DNA position 709, G replaced by T.
Protein change: p.Glu237Ter; replaces glutamic acid 237 with a stop codon.
Molecular consequence: nonsense.
Genome position (GRCh38, 1-based): chr7:122,116,936, C>A on the plus strand (G>T on the coding strand, the complement: AASS is on the minus strand). VCF-style: chr7-122116936-C-A. GRCh37 (hg19) VCF-style: chr7-121756990-C-A.
Other names: short protein forms E237*.
Identifiers: ClinVar variation 1950187 (VCV001950187.5), dbSNP rs760852526, ClinGen allele CA4458567.